The following is an entry in ClinVar:

NM_004006.3(DMD):c.9740A>G (p.Gln3247Arg)

Gene: DMD (dystrophin; minus strand). Cytogenetic location: Xp21.2.
Variant type: single nucleotide variant.
Coding change: c.9740A>G on transcript NM_004006.3 (MANE Select); coding-DNA position 9740, A replaced by G.
Protein change: p.Gln3247Arg; replaces glutamine 3247 with arginine.
Molecular consequence: missense variant.
Genome position (GRCh38, 1-based): chrX:31,204,028, T>C on the plus strand (A>G on the coding strand, the complement: DMD is on the minus strand). VCF-style: chrX-31204028-T-C. GRCh37 (hg19) VCF-style: chrX-31222145-T-C.
Other names: c.9716A>G, p.Gln3239Arg (NM_000109.4); c.9728A>G, p.Gln3243Arg (NM_004009.3); c.9371A>G, p.Gln3124Arg (NM_004010.3); c.5717A>G, p.Gln1906Arg (NM_004011.4); c.5708A>G, p.Gln1903Arg (NM_004012.4); c.2360A>G, p.Gln787Arg (NM_004013.3, NM_004020.4, NM_004021.3 and 2 more transcripts); c.1553A>G, p.Gln518Arg (NM_004014.3); c.536A>G, p.Gln179Arg (NM_004015.3, NM_004016.3, NM_004017.3 and 2 more transcripts); short protein forms Q3124R, Q1903R, Q3239R, Q3247R, Q518R, Q787R, Q3243R, Q179R.
Identifiers: ClinVar variation 2008976 (VCV002008976.4), dbSNP rs2521061196, ClinGen allele CA412648535.

ClinVar aggregate classification (germline): Uncertain significance (1 of 4 stars; one submission).

Conditions:
Duchenne muscular dystrophy (DMD). Also called: MUSCULAR DYSTROPHY, PSEUDOHYPERTROPHIC PROGRESSIVE, DUCHENNE TYPE; Duchenne Muscular Dystrophy (DMD). Identifiers: Orphanet 98896, MedGen C0013264, MONDO:0010679, OMIM 310200.

Submission:

Labcorp Genetics (formerly Invitae), Labcorp
Classification: Uncertain significance for Duchenne muscular dystrophy. Last evaluated: 2022-06-22. Review status: criteria provided, single submitter. Criteria: Invitae Variant Classification Sherloc (09022015). Collection method: clinical testing. Allele origin: germline.
Comment: This sequence change replaces glutamine, which is neutral and polar, with arginine, which is basic and polar, at codon 3247 of the DMD protein (p.Gln3247Arg). This variant is not present in population databases (gnomAD no frequency). This variant has not been reported in the literature in individuals affected with DMD-related conditions. Algorithms developed to predict the effect of missense changes on protein structure and function are either unavailable or do not agree on the potential impact of this missense change (SIFT: "Deleterious"; PolyPhen-2: "Benign"; Align-GVGD: "Class C35"). In summary, the available evidence is currently insufficient to determine the role of this variant in disease. Therefore, it has been classified as a Variant of Uncertain Significance.